The following is an entry in ClinVar:

ClinVar aggregate classification (germline): Likely benign (0 of 4 stars; one submission).

Conditions:
FLNA-related disorder.

Allele frequency attached by ClinVar (database versions not stated): gnomAD exomes below 0.00001.
gnomAD v4.1: 2 of 1,211,223 alleles (0.00017%); highest among the groups gnomAD compares: Non-Finnish European, 0.00022%; no homozygotes.

Submission:

PreventionGenetics, part of Exact Sciences
Classification: Likely benign for FLNA-related condition. Last evaluated: 2023-10-26. Review status: no assertion criteria provided. Collection method: clinical testing. Allele origin: germline.
Comment: This variant is classified as likely benign based on ACMG/AMP sequence variant interpretation guidelines (Richards et al. 2015 PMID: 25741868, with internal and published modifications).

NM_001110556.2(FLNA):c.4227C>T (p.Ser1409=)

Gene: FLNA (filamin A; minus strand). Cytogenetic location: Xq28.
Variant type: single nucleotide variant.
Coding change: c.4227C>T on transcript NM_001110556.2 (MANE Select); coding-DNA position 4227, C replaced by T.
Protein change: p.Ser1409=; no amino-acid change (serine 1409 retained).
Molecular consequence: synonymous variant.
Genome position (GRCh38, 1-based): chrX:154,359,322, G>A on the plus strand (C>T on the coding strand, the complement: FLNA is on the minus strand). VCF-style: chrX-154359322-G-A. GRCh37 (hg19) VCF-style: chrX-153587690-G-A.
Other names: c.4227C>T, p.Ser1409= (NM_001456.4).
Identifiers: ClinVar variation 3031499 (VCV003031499.2), dbSNP rs1043089639, ClinGen allele CA337279443.
Genomic context (GRCh38, chrX:154,359,322, plus strand): 5'-ACCATAGGTGACGTTGAGGCTGTAGGTGCCAGCCTCATAAGGGATGTACTCGACCGAGCA[G>A]CTGCCGTCCTTGTTATCCATGCAGGACATCTTGGCCTCGGAGGGGCCCTCTACAGCCAGG-3'
Protein context (NP_001104026.1, residues 1399-1419): KMSCMDNKDG[Ser1409=]CSVEYIPYEA